The following is an entry in ClinVar:

NM_000093.5(COL5A1):c.1840A>C (p.Ser614Arg)

Gene: COL5A1 (collagen type V alpha 1 chain; plus strand). Cytogenetic location: 9q34.3.
Variant type: single nucleotide variant.
Coding change: c.1840A>C on transcript NM_000093.5 (MANE Select); coding-DNA position 1840, A replaced by C.
Protein change: p.Ser614Arg; replaces serine 614 with arginine.
Molecular consequence: missense variant.
Genome position (GRCh38, 1-based): chr9:134,756,777, A>C. VCF-style: chr9-134756777-A-C. GRCh37 (hg19) VCF-style: chr9-137648623-A-C.
Other names: p.S614R:AGT>CGT; c.1840A>C, p.Ser614Arg (NM_001278074.1); short protein forms S614R.
Identifiers: ClinVar variation 213038 (VCV000213038.3), dbSNP rs863223477, ClinGen allele CA323203.
Genomic context (GRCh38, chr9:134,756,777, plus strand): 5'-GTGAACCGGGGCTCTTTTGCATTGACGGTTTTGCCTCCTTTGTTCCAGGGTCGGGCTGGG[A>C]GTGATGGAGCCAGAGGAATGCCTGGACAAACTGGCCCCAAGGTAGGTCACCCACCACCCT-3'
Protein context (NP_000084.3, residues 604-624): GKPGRRGRAG[Ser614Arg]DGARGMPGQT

ClinVar aggregate classification (germline): Uncertain significance (1 of 4 stars; one submission).

Allele frequency attached by ClinVar (database versions not stated): gnomAD exomes below 0.00001; TOPMed below 0.00001; gnomAD 0.00001.
gnomAD v4.1: 2 of 1,613,702 alleles (0.00012%); highest among the groups gnomAD compares: Non-Finnish European, 0.00017%; no homozygotes.

Submission:

GeneDx
Classification: Uncertain significance. Last evaluated: 2019-08-19. Review status: criteria provided, single submitter. Criteria: GeneDx Variant Classification Process June 2021. Collection method: clinical testing. Allele origin: germline. Affected: yes.
Comment: Has not been previously published as pathogenic or benign to our knowledge; Not observed in large population cohorts (Lek et al., 2016); In silico analysis, which includes protein predictors and evolutionary conservation, supports that this variant does not alter protein structure/function; Occurs in the triple helical domain at the X position in the canonical Gly-X-Y repeat; although this variant may have an effect on normal protein folding and function, missense substitution at the X position is not a common mechanism of disease (Symoens et al., 2012; Stenson et al., 2014)